The following is an entry in ClinVar:

ClinVar aggregate classification (germline): Uncertain significance (1 of 4 stars; one submission).

Allele frequency attached by ClinVar (database versions not stated): TOPMed below 0.00001; ExAC 0.00001; gnomAD 0.00001; 1000 Genomes Project 30x 0.00031.
gnomAD v4.1: 1 of 1,612,488 alleles (0.000062%); highest among the groups gnomAD compares: South Asian, 0.0011%; no homozygotes.

Submission:

Ambry Genetics
Classification: Uncertain significance. Last evaluated: 2022-04-29. Review status: criteria provided, single submitter. Criteria: Ambry Variant Classification Scheme 2023. Collection method: clinical testing. Allele origin: germline.
Comment: The p.F910L variant (also known as c.2728T>C), located in coding exon 24 of the PRKDC gene, results from a T to C substitution at nucleotide position 2728. The phenylalanine at codon 910 is replaced by leucine, an amino acid with highly similar properties. This amino acid position is conserved. In addition, the in silico prediction for this alteration is inconclusive. Since supporting evidence is limited at this time, the clinical significance of this alteration remains unclear.

NM_006904.7(PRKDC):c.2728T>C (p.Phe910Leu)

Gene: PRKDC (protein kinase, DNA-activated, catalytic subunit; minus strand). Cytogenetic location: 8q11.21.
Variant type: single nucleotide variant.
Coding change: c.2728T>C on transcript NM_006904.7 (MANE Select); coding-DNA position 2728, T replaced by C.
Protein change: p.Phe910Leu; replaces phenylalanine 910 with leucine.
Molecular consequence: missense variant.
Genome position (GRCh38, 1-based): chr8:47,913,954, A>G on the plus strand (T>C on the coding strand, the complement: PRKDC is on the minus strand). VCF-style: chr8-47913954-A-G. GRCh37 (hg19) VCF-style: chr8-48826514-A-G.
Other names: c.2728T>C, p.Phe910Leu (NM_001081640.2); short protein forms F910L.
Identifiers: ClinVar variation 1795254 (VCV001795254.2), dbSNP rs775322241, ClinGen allele CA4741393.
Genomic context (GRCh38, chr8:47,913,954, plus strand): 5'-GAAGTACTTTAGTTTGTCTGTCACTGGCTGTGAGCGCTAATTCTGTGACTCGAGGCAGGA[A>G]CACATCCAGGAAAATGACAGGTTTCATCTCTCTAAAGGGCACTGCAAAGCTCAGCCGCTT-3'
Protein context (NP_008835.5, residues 900-920): EMKPVIFLDV[Phe910Leu]LPRVTELALT